The following is an entry in ClinVar:

NM_001035.3(RYR2):c.6404G>A (p.Gly2135Asp)

Gene: RYR2 (ryanodine receptor 2; plus strand). Cytogenetic location: 1q43.
Variant type: single nucleotide variant.
Coding change: c.6404G>A on transcript NM_001035.3 (MANE Select); coding-DNA position 6404, G replaced by A.
Protein change: p.Gly2135Asp; replaces glycine 2135 with aspartic acid.
Molecular consequence: missense variant.
Genome position (GRCh38, 1-based): chr1:237,628,044, G>A. VCF-style: chr1-237628044-G-A. GRCh37 (hg19) VCF-style: chr1-237791344-G-A.
Other names: short protein forms G2135D.
Identifiers: ClinVar variation 4800079 (VCV004800079.1).

ClinVar aggregate classification (germline): Uncertain significance (1 of 4 stars; one submission).

Conditions:
Catecholaminergic polymorphic ventricular tachycardia 1. Also called: VENTRICULAR TACHYCARDIA, STRESS-INDUCED POLYMORPHIC 1; RYR2-Related Catecholaminergic Polymorphic Ventricular Tachycardia; VENTRICULAR TACHYCARDIA, CATECHOLAMINERGIC POLYMORPHIC, 1, WITH OR WITHOUT ATRIAL DYSFUNCTION AND/OR DILATED CARDIOMYOPATHY. Identifiers: Orphanet 3286, MedGen C1631597, MONDO:0011484, OMIM 604772.

Submission:

Labcorp Genetics (formerly Invitae), Labcorp
Classification: Uncertain significance for Catecholaminergic polymorphic ventricular tachycardia 1. Last evaluated: 2025-09-07. Review status: criteria provided, single submitter. Criteria: Invitae Variant Classification Sherloc (09022015). Collection method: clinical testing. Allele origin: germline.
Comment: This sequence change replaces glycine, which is neutral and non-polar, with aspartic acid, which is acidic and polar, at codon 2135 of the RYR2 protein (p.Gly2135Asp). This variant is not present in population databases (gnomAD no frequency). This variant has not been reported in the literature in individuals affected with RYR2-related conditions. Invitae Evidence Modeling of protein sequence and biophysical properties (such as structural, functional, and spatial information, amino acid conservation, physicochemical variation, residue mobility, and thermodynamic stability) indicates that this missense variant is expected to disrupt RYR2 protein function with a positive predictive value of 95%. In summary, the available evidence is currently insufficient to determine the role of this variant in disease. Therefore, it has been classified as a Variant of Uncertain Significance.